The following is an entry in ClinVar:

NM_024809.5(TCTN2):c.1829T>C (p.Leu610Pro)

Gene: TCTN2 (tectonic family member 2; plus strand). Cytogenetic location: 12q24.31.
Variant type: single nucleotide variant.
Coding change: c.1829T>C on transcript NM_024809.5 (MANE Select); coding-DNA position 1829, T replaced by C.
Protein change: p.Leu610Pro; replaces leucine 610 with proline.
Molecular consequence: missense variant.
Genome position (GRCh38, 1-based): chr12:123,706,785, T>C. VCF-style: chr12-123706785-T-C. GRCh37 (hg19) VCF-style: chr12-124191332-T-C.
Other names: c.1829T>C (NM_024809.3); c.1826T>C, p.Leu609Pro (NM_001143850.3); short protein forms L609P, L610P.
Identifiers: ClinVar variation 1473265 (VCV001473265.4), dbSNP rs554338311, ClinGen allele CA6861357.

ClinVar aggregate classification (germline): Uncertain significance. Review status: criteria provided, multiple submitters, no conflicts (2 of 4 stars). 2 submissions from 2 submitters: Uncertain significance (2). Last evaluated 2025-10-18.

Conditions:
Meckel-Gruber syndrome. Also called: DYSENCEPHALIA SPLANCHNOCYSTICA; GRUBER SYNDROME; Dysencephalia splachnocystica. Identifiers: Orphanet 564, MedGen C0265215, MONDO:0018921.
Joubert syndrome. Also called: CEREBELLOPARENCHYMAL DISORDER IV; JOUBERT-BOLTSHAUSER SYNDROME; Familial aplasia of the vermis. Identifiers: Orphanet 475, MedGen C5979921, MONDO:0018772.
Inborn genetic diseases. Identifiers: MedGen C0950123, MeSH D030342.

Allele frequency attached by ClinVar (database versions not stated): gnomAD exomes 0.00001; ExAC 0.00002; 1000 Genomes Project 0.00020; 1000 Genomes Project 30x 0.00031.

Submissions (2):

Ambry Genetics
Classification: Uncertain significance for Inborn genetic diseases. Last evaluated: 2025-10-18. Review status: criteria provided, single submitter. Criteria: Ambry Variant Classification Scheme 2023. Collection method: clinical testing. Allele origin: germline.

Labcorp Genetics (formerly Invitae), Labcorp
Classification: Uncertain significance for Joubert syndrome; Meckel-Gruber syndrome. Last evaluated: 2021-08-17. Review status: criteria provided, single submitter. Criteria: Invitae Variant Classification Sherloc (09022015). Collection method: clinical testing. Allele origin: germline.
Comment: This sequence change replaces leucine with proline at codon 610 of the TCTN2 protein (p.Leu610Pro). The leucine residue is highly conserved and there is a moderate physicochemical difference between leucine and proline. This variant is present in population databases (rs554338311, ExAC 0.01%). This variant has not been reported in the literature in individuals affected with TCTN2-related conditions. Algorithms developed to predict the effect of missense changes on protein structure and function (SIFT, PolyPhen-2, Align-GVGD) all suggest that this variant is likely to be disruptive. In summary, the available evidence is currently insufficient to determine the role of this variant in disease. Therefore, it has been classified as a Variant of Uncertain Significance.